The following is an entry in ClinVar:

ClinVar aggregate classification (germline): Uncertain significance (1 of 4 stars; one submission).

Allele frequency attached by ClinVar (database versions not stated): gnomAD exomes 0.00001; ExAC 0.00003; gnomAD 0.00004; TOPMed 0.00010; ESP Exome Variant Server 0.00015.
gnomAD v4.1: 18 of 1,602,820 alleles (0.0011%); highest among the groups gnomAD compares: African/African-American, 0.022%; no homozygotes.

Submission:

Labcorp Genetics (formerly Invitae), Labcorp
Classification: Uncertain significance. Last evaluated: 2022-11-08. Review status: criteria provided, single submitter. Criteria: Invitae Variant Classification Sherloc (09022015). Collection method: clinical testing. Allele origin: germline.
Comment: In summary, the available evidence is currently insufficient to determine the role of this variant in disease. Therefore, it has been classified as a Variant of Uncertain Significance. Advanced modeling of protein sequence and biophysical properties (such as structural, functional, and spatial information, amino acid conservation, physicochemical variation, residue mobility, and thermodynamic stability) performed at Invitae indicates that this missense variant is not expected to disrupt CKAP2L protein function. ClinVar contains an entry for this variant (Variation ID: 1358558). This variant has not been reported in the literature in individuals affected with CKAP2L-related conditions. This variant is present in population databases (rs369686797, gnomAD 0.01%). This sequence change replaces proline, which is neutral and non-polar, with alanine, which is neutral and non-polar, at codon 201 of the CKAP2L protein (p.Pro201Ala).

NM_152515.5(CKAP2L):c.601C>G (p.Pro201Ala)

Gene: CKAP2L (cytoskeleton associated protein 2 like; minus strand). Cytogenetic location: 2q14.1.
Variant type: single nucleotide variant.
Coding change: c.601C>G on transcript NM_152515.5 (MANE Select); coding-DNA position 601, C replaced by G.
Protein change: p.Pro201Ala; replaces proline 201 with alanine.
Molecular consequence: missense variant.
Genome position (GRCh38, 1-based): chr2:112,756,770, G>C on the plus strand (C>G on the coding strand, the complement: CKAP2L is on the minus strand). VCF-style: chr2-112756770-G-C. GRCh37 (hg19) VCF-style: chr2-113514347-G-C.
Other names: c.106C>G, p.Pro36Ala (NM_001304361.2); short protein forms P201A, P36A.
Identifiers: ClinVar variation 1358558 (VCV001358558.8), dbSNP rs369686797, ClinGen allele CA1836819.